The following is an entry in ClinVar:

ClinVar aggregate classification (germline): Likely benign (1 of 4 stars; one submission).

Conditions:
MTMR2-related disorder. Also called: MTMR2-related condition.

gnomAD v4.1: 47 of 1,592,660 alleles (0.003%); highest among the groups gnomAD compares: Non-Finnish European, 0.0014%; no homozygotes.

Submission:

PreventionGenetics, part of Exact Sciences
Classification: Likely benign for MTMR2-related condition. Last evaluated: 2025-03-27. Review status: criteria provided, single submitter. Criteria: ACMG Guidelines, 2015. Collection method: clinical testing. Allele origin: germline.
Comment: This variant is classified as likely benign based on ACMG/AMP sequence variant interpretation guidelines (Richards et al. 2015 PMID: 25741868, with internal and published modifications).

NM_016156.6(MTMR2):c.805-4T>C

Gene: MTMR2 (myotubularin related protein 2; minus strand). Cytogenetic location: 11q21.
Variant type: single nucleotide variant.
Coding change: c.805-4T>C on transcript NM_016156.6 (MANE Select); 4 bases into the intron before coding-DNA position 805, T replaced by C.
Molecular consequence: intron variant.
Genome position (GRCh38, 1-based): chr11:95,849,866, A>G on the plus strand (T>C on the coding strand, the complement: MTMR2 is on the minus strand). VCF-style: chr11-95849866-A-G. GRCh37 (hg19) VCF-style: chr11-95583030-A-G.
Other names: c.589-4T>C (NM_001440635.1, NM_001440636.1, NM_201281.3 and 11 more transcripts); c.619-4T>C (NM_001440649.1); c.721-4T>C (NM_001440647.1); c.804+734T>C (NM_001440651.1); c.805-4T>C (NM_001440650.1, NM_001440648.1); c.457-4T>C (NM_001440642.1); c.403-4T>C (NM_001440643.1).
Identifiers: ClinVar variation 4980436 (VCV004980436.1).